The following is an entry in ClinVar:

NM_000760.4(CSF3R):c.1297A>T (p.Thr433Ser)

Gene: CSF3R (colony stimulating factor 3 receptor; minus strand). Cytogenetic location: 1p34.3.
Variant type: single nucleotide variant.
Coding change: c.1297A>T on transcript NM_000760.4 (MANE Select); coding-DNA position 1297, A replaced by T.
Protein change: p.Thr433Ser; replaces threonine 433 with serine.
Molecular consequence: missense variant.
Genome position (GRCh38, 1-based): chr1:36,469,829, T>A on the plus strand (A>T on the coding strand, the complement: CSF3R is on the minus strand). VCF-style: chr1-36469829-T-A. GRCh37 (hg19) VCF-style: chr1-36935430-T-A.
Other names: c.1297A>T, p.Thr433Ser (NM_156039.3, NM_172313.3); short protein forms T433S.
Identifiers: ClinVar variation 2012844 (VCV002012844.4), dbSNP rs2124112200, ClinGen allele CA339420503.

ClinVar aggregate classification (germline): Uncertain significance (1 of 4 stars; one submission).

Conditions:
Autosomal recessive severe congenital neutropenia due to CSF3R deficiency. Also called: Neutropenia, severe congenital, 7, autosomal recessive. Identifiers: Orphanet 420702, MedGen C4310764, MONDO:0014865, OMIM 617014.

Allele frequency attached by ClinVar (database versions not stated): gnomAD exomes below 0.00001.
gnomAD v4.1: 1 of 1,613,934 alleles (0.000062%); highest among the groups gnomAD compares: Non-Finnish European, 0.000085%; no homozygotes.

Submission:

Labcorp Genetics (formerly Invitae), Labcorp
Classification: Uncertain significance for Autosomal recessive severe congenital neutropenia due to CSF3R deficiency. Last evaluated: 2022-07-01. Review status: criteria provided, single submitter. Criteria: Invitae Variant Classification Sherloc (09022015). Collection method: clinical testing. Allele origin: germline.
Comment: In summary, the available evidence is currently insufficient to determine the role of this variant in disease. Therefore, it has been classified as a Variant of Uncertain Significance. Algorithms developed to predict the effect of missense changes on protein structure and function output the following: SIFT: "Tolerated"; PolyPhen-2: "Benign"; Align-GVGD: "Class C0". The serine amino acid residue is found in multiple mammalian species, which suggests that this missense change does not adversely affect protein function. This variant has not been reported in the literature in individuals affected with CSF3R-related conditions. This variant is not present in population databases (gnomAD no frequency). This sequence change replaces threonine, which is neutral and polar, with serine, which is neutral and polar, at codon 433 of the CSF3R protein (p.Thr433Ser).